The following is an entry in ClinVar:

ClinVar aggregate classification (germline): Uncertain significance (1 of 4 stars; one submission).

Conditions:
Autoimmune interstitial lung disease-arthritis syndrome. Also called: Autoinflammation and autoimmunity, systemic, with immune dysregulation. Identifiers: Orphanet 444092, MedGen C5975714, MONDO:0014629.

Submission:

Labcorp Genetics (formerly Invitae), Labcorp
Classification: Uncertain significance for Autoimmune interstitial lung disease-arthritis syndrome. Last evaluated: 2022-07-20. Review status: criteria provided, single submitter. Criteria: Invitae Variant Classification Sherloc (09022015). Collection method: clinical testing. Allele origin: germline.
Comment: In summary, the available evidence is currently insufficient to determine the role of this variant in disease. Therefore, it has been classified as a Variant of Uncertain Significance. Algorithms developed to predict the effect of missense changes on protein structure and function are either unavailable or do not agree on the potential impact of this missense change (SIFT: "Not Available"; PolyPhen-2: "Probably Damaging"; Align-GVGD: "Not Available"). This variant has not been reported in the literature in individuals affected with COPA-related conditions. Information on the frequency of this variant in the gnomAD database is not available, as this variant may be reported differently in the database. This sequence change replaces glycine, which is neutral and non-polar, with alanine, which is neutral and non-polar, at codon 633 of the COPA protein (p.Gly633Ala).

NM_004371.4(COPA):c.1898_1899delinsCT (p.Gly633Ala)

Gene: COPA (coat protein complex I subunit alpha; minus strand). Cytogenetic location: 1q23.2.
Variant type: Indel.
Coding change: c.1898_1899delinsCT on transcript NM_004371.4 (MANE Select); coding-DNA positions 1898 to 1899, GC replaced by CT.
Protein change: p.Gly633Ala; replaces glycine 633 with alanine.
Molecular consequence: missense variant.
Genome position (GRCh38, 1-based): chr1:160,298,923-160,298,924, GC replaced by AG on the plus strand (GC replaced by CT on the coding strand, the reverse complement: COPA is on the minus strand). VCF-style: chr1-160298923-GC-AG. GRCh37 (hg19) VCF-style: chr1-160268713-GC-AG.
Other names: c.1925_1926delinsCT, p.Gly642Ala (NM_001098398.2); short protein forms G633A, G642A.
Identifiers: ClinVar variation 1720238 (VCV001720238.5), dbSNP rs2525367747, ClinGen allele CA2580061283.